The following is an entry in ClinVar:

ClinVar aggregate classification (germline): Likely pathogenic (3 of 4 stars; one submission).

Conditions:
RPGR-related retinopathy. Also called: RPGR retinopathy. Identifiers: MedGen CN305589, MONDO:0100437.

Submission:

ClinGen X-linked Inherited Retinal Disease Variant Curation Expert Panel, ClinGen
Classification: Likely pathogenic for RPGR-related retinopathy. Last evaluated: 2026-11-20. Review status: reviewed by expert panel. Criteria: ClinGen X LinkedIRD ACMG Specifications RPGR V1.0.0. Collection method: curation. Allele origin: germline. Inheritance: X-linked inheritance.
Comment: The NM_001034853.2(RPGR):c.139del variant is a frameshift variant that introduces a premature stop codon between amino acids 1-1132 that is predicted to either trigger nonsense-mediated decay or to disrupt a critical C-terminal region required for proper glutamylation of RPGR (PVS1, PMID: 36445968). This variant is absent from hemizygous individuals in gnomAD v4.1.0 (PM2_Supporting). This variant has been reported in at least one proband (PMID: 36460718). However, the number of individuals meeting the PS4 requirement of of being a male with some functional vision impairment by age 30 and/or decreased or absent ERG responses, or a female with functional visual abnormality and documentation of a male relative affected with retinitis pigmentosa was fewer than the requirement of at least 2 unrelated probands, so PS4_Supporting was not met. At least one proband harboring this variant exhibits a phenotype including being clinically diagnosed with X-linked inherited retinal disease without further individual-level data provided, which is not sufficient to conclude a diagnosis of RPGR-related retinopathy (0 points, PMID: 36460718). The PP4 code was not met as the total points reached was below the required 4 points. In summary, this variant is classified as likely pathogenic for RPGR-related retinopathy based on the ACMG/AMP criteria applied, as specified by the ClinGen X-linked IRD VCEP: PVS1, PM2_Supporting.

NM_001034853.2(RPGR):c.139del (p.Ser47fs)

Gene: RPGR (retinitis pigmentosa GTPase regulator; minus strand). Cytogenetic location: Xp11.4.
Variant type: Deletion.
Coding change: c.139del on transcript NM_001034853.2 (MANE Select); coding-DNA position 139, one base deleted (T; older notation c.139delT).
Protein change: p.Ser47fs; shifts the reading frame from serine 47.
Molecular consequence: frameshift variant. On other transcripts: non-coding transcript variant (6).
Genome position (GRCh38, 1-based): chrX:38,323,414, A deleted on the plus strand (T on the coding strand, the reverse complement: RPGR is on the minus strand); the first of 2 consecutive A bases (chrX:38,323,414-38,323,415); deleting either gives the same sequence. VCF-style (leftmost placement, unchanged base first): chrX-38323413-GA-G. GRCh37 (hg19) VCF-style: chrX-38182666-GA-G.
Other names: NM_001034853.2:c.139del; c.139del, p.Ser47fs (NM_000328.3, NM_001367245.1, NM_001367246.1 and 4 more transcripts); c.169del, p.Ser57fs (NM_001367248.1); short protein forms S47fs, S57fs.
Identifiers: ClinVar variation 5043499 (VCV005043499.1).